The following is an entry in ClinVar:

NM_003265.3(TLR3):c.2542A>C (p.Ile848Leu)

Gene: TLR3 (toll like receptor 3; plus strand). Cytogenetic location: 4q35.1.
Variant type: single nucleotide variant.
Coding change: c.2542A>C on transcript NM_003265.3 (MANE Select); coding-DNA position 2542, A replaced by C.
Protein change: p.Ile848Leu; replaces isoleucine 848 with leucine.
Molecular consequence: missense variant.
Genome position (GRCh38, 1-based): chr4:186,084,700, A>C. VCF-style: chr4-186084700-A-C. GRCh37 (hg19) VCF-style: chr4-187005854-A-C.
Other names: c.2542A>C (NM_003265.2); short protein forms I848L.
Identifiers: ClinVar variation 1009923 (VCV001009923.11), dbSNP rs200662318, ClinGen allele CA3161603.

ClinVar aggregate classification (germline): Uncertain significance. Review status: criteria provided, multiple submitters, no conflicts (2 of 4 stars). 3 submissions from 3 submitters: Uncertain significance (3). Last evaluated 2025-08-17.

Conditions:
Encephalopathy, acute, infection-induced (herpes-specific), susceptibility to, 1. Also called: Herpes simplex encephalitis, susceptibility to, 1. Identifiers: Orphanet 1930, MedGen C2750180, MONDO:0024563, OMIM 610551.

Allele frequency attached by ClinVar (database versions not stated): ExAC 0.00007; ESP Exome Variant Server 0.00023; gnomAD exomes 0.00004; TOPMed 0.00012; gnomAD 0.00013; 1000 Genomes Project 0.00020; 1000 Genomes Project 30x 0.00016.
gnomAD v4.1: 35 of 1,613,998 alleles (0.0022%); highest among the groups gnomAD compares: African/African-American, 0.036%; no homozygotes.

Submissions (3):

Labcorp Genetics (formerly Invitae), Labcorp
Classification: Uncertain significance for Encephalopathy, acute, infection-induced (herpes-specific), susceptibility to, 1. Last evaluated: 2025-08-17. Review status: criteria provided, single submitter. Criteria: Invitae Variant Classification Sherloc (09022015). Collection method: clinical testing. Allele origin: germline.
Comment: This sequence change replaces isoleucine, which is neutral and non-polar, with leucine, which is neutral and non-polar, at codon 848 of the TLR3 protein (p.Ile848Leu). This variant is present in population databases (rs200662318, gnomAD 0.05%). This variant has not been reported in the literature in individuals affected with TLR3-related conditions. ClinVar contains an entry for this variant (Variation ID: 1009923). An algorithm developed to predict the effect of missense changes on protein structure and function (PolyPhen-2) suggests that this variant is likely to be disruptive. In summary, the available evidence is currently insufficient to determine the role of this variant in disease. Therefore, it has been classified as a Variant of Uncertain Significance.

Ambry Genetics
Classification: Uncertain significance. Last evaluated: 2025-01-17. Review status: criteria provided, single submitter. Criteria: Ambry Variant Classification Scheme 2023. Collection method: clinical testing. Allele origin: germline.

Blueprint Genetics
Classification: Uncertain significance. Last evaluated: 2024-02-14. Review status: criteria provided, single submitter. Criteria: ACMG Guidelines, 2015. Collection method: clinical testing. Allele origin: germline.